The following is an entry in ClinVar:

NM_004655.4(AXIN2):c.1404CCA[3] (p.His472_His474del)

Gene: AXIN2 (axin 2; minus strand). Cytogenetic location: 17q24.1.
Variant type: Microsatellite.
Coding change: c.1404CCA[3] on transcript NM_004655.4 (MANE Select); three copies in a row of the 3-base unit CCA starting at c.1404; the reference has six copies in a row; three copies, 9 bases deleted.
Protein change: p.His472_His474del.
Molecular consequence: inframe deletion.
Genome position (GRCh38, 1-based): chr17:65,537,615-65,537,623, TGGTGGTGG deleted on the plus strand (CCACCACCA on the coding strand, the reverse complement: AXIN2 is on the minus strand); deleting any 9 consecutive bases within chr17:65,537,615-65,537,633 gives the same sequence; the position shown is the placement nearest the transcript's 3' end. VCF-style (leftmost placement, unchanged base first): chr17-65537614-ATGGTGGTGG-A. GRCh37 (hg19) VCF-style: chr17-63533732-ATGGTGGTGG-A.
Other names: c.1404CCA[3], p.His472_His474del (NM_001363813.1).
Identifiers: ClinVar variation 658132 (VCV000658132.7), dbSNP rs570443161, ClinGen allele CA627152109.

ClinVar aggregate classification (germline): Conflicting classifications of pathogenicity. Review status: criteria provided, conflicting classifications (1 of 4 stars). 2 submissions from 2 submitters: Uncertain significance (1); Likely benign (1). Last evaluated 2023-08-02.

Conditions:
Hereditary cancer-predisposing syndrome. Also called: Hereditary neoplastic syndrome; Neoplastic Syndromes, Hereditary; Hereditary Cancer Syndrome; Tumor predisposition. Identifiers: Orphanet 140162, MedGen C0027672, MeSH D009386, MONDO:0015356.
Oligodontia-cancer predisposition syndrome. Also called: TOOTH AGENESIS-COLORECTAL CANCER SYNDROME. Identifiers: Orphanet 300576, MedGen C1837750, MONDO:0012075, OMIM 608615. Disease mechanism: loss of function.

Submissions (2):

Labcorp Genetics (formerly Invitae), Labcorp
Classification: Uncertain significance for Oligodontia-cancer predisposition syndrome. Last evaluated: 2023-08-02. Review status: criteria provided, single submitter. Criteria: Invitae Variant Classification Sherloc (09022015). Collection method: clinical testing. Allele origin: germline.
Comment: In summary, the available evidence is currently insufficient to determine the role of this variant in disease. Therefore, it has been classified as a Variant of Uncertain Significance. Experimental studies and prediction algorithms are not available or were not evaluated, and the functional significance of this variant is currently unknown. ClinVar contains an entry for this variant (Variation ID: 658132). This variant has not been reported in the literature in individuals affected with AXIN2-related conditions. This variant is present in population databases (no rsID available, gnomAD 0.001%). This variant, c.1413_1421del, results in the deletion of 3 amino acid(s) of the AXIN2 protein (p.His472_His474del), but otherwise preserves the integrity of the reading frame.

Ambry Genetics
Classification: Likely benign for Hereditary cancer-predisposing syndrome. Last evaluated: 2022-08-15. Review status: criteria provided, single submitter. Criteria: Ambry Variant Classification Scheme 2023. Collection method: clinical testing. Allele origin: germline.